The following is an entry in ClinVar:

ClinVar aggregate classification (germline): Uncertain significance (1 of 4 stars; one submission).

Conditions:
Diamond-Blackfan anemia 10 (DBA10). Also called: RPS26-Related Diamond-Blackfan Anemia. Identifiers: Orphanet 124, MedGen C2750080, MONDO:0013217, OMIM 613309.

Submission:

Victorian Clinical Genetics Services, Murdoch Childrens Research Institute
Classification: Uncertain significance for Diamond-Blackfan anemia 10. Last evaluated: 2025-08-20. Review status: criteria provided, single submitter. Criteria: ACMG Guidelines, 2015. Collection method: clinical testing. Allele origin: germline. Affected: yes.
Comment: This variant is classified as VUS-3B. Evidence in support of pathogenic classification: Variant is absent from gnomAD (v2, v3 and v4); Missense variant predicted to be damaging by in silico tool(s) or highly conserved with a major amino acid change; Strong phenotype match for this individual. Evidence in support of benign classification: Non-segregation of this variant with the phenotype under investigation has been clearly demonstrated. Additional information: Variant is predicted to result in a missense amino acid change from valine to aspartic acid; This variant is heterozygous; This gene is associated with autosomal dominant disease; This variant has no previous evidence of pathogenicity; No published functional evidence has been identified for this variant; No comparable missense variants have previous evidence for pathogenicity; Variant is located in the annotated Ribosomal_S26e domain (DECIPHER); Loss of function is a known mechanism of disease in this gene and is associated with Diamond-Blackfan anaemia 10 (MIM#613309).

NM_001029.5(RPS26):c.119T>A (p.Val40Asp)

Gene: RPS26 (ribosomal protein S26; plus strand). Cytogenetic location: 12q13.2.
Variant type: single nucleotide variant.
Coding change: c.119T>A on transcript NM_001029.5 (MANE Select); coding-DNA position 119, T replaced by A.
Protein change: p.Val40Asp; replaces valine 40 with aspartic acid.
Molecular consequence: missense variant.
Genome position (GRCh38, 1-based): chr12:56,042,540, T>A. VCF-style: chr12-56042540-T-A. GRCh37 (hg19) VCF-style: chr12-56436324-T-A.
Other names: short protein forms V40D.
Identifiers: ClinVar variation 3254896 (VCV003254896.4), dbSNP rs2540722866.